The following is an entry in ClinVar:

ClinVar aggregate classification (germline): Likely benign. Review status: criteria provided, multiple submitters, no conflicts (2 of 4 stars). 3 submissions from 3 submitters: Likely benign (3). Last evaluated 2025-05-19.

Conditions:
LRP2-related disorder. Also called: LRP2-related condition.

Allele frequency attached by ClinVar (database versions not stated): TOPMed 0.00001; gnomAD exomes 0.00003 and 0.00008; gnomAD 0.00004; ExAC 0.00007; 1000 Genomes Project 30x 0.00031; 1000 Genomes Project 0.00040.
gnomAD v4.1: 57 of 1,614,130 alleles (0.0035%); highest among the groups gnomAD compares: South Asian, 0.056%; no homozygotes.

Submissions (3):

PreventionGenetics, part of Exact Sciences
Classification: Likely benign for LRP2-related condition. Last evaluated: 2025-05-19. Review status: criteria provided, single submitter. Criteria: ACMG Guidelines, 2015. Collection method: clinical testing. Allele origin: germline.
Comment: This variant is classified as likely benign based on ACMG/AMP sequence variant interpretation guidelines (Richards et al. 2015 PMID: 25741868, with internal and published modifications).

Labcorp Genetics (formerly Invitae), Labcorp
Classification: Likely benign. Last evaluated: 2024-01-16. Review status: criteria provided, single submitter. Criteria: Invitae Variant Classification Sherloc (09022015). Collection method: clinical testing. Allele origin: germline.

Blueprint Genetics
Classification: Likely benign. Last evaluated: 2023-09-14. Review status: criteria provided, single submitter. Criteria: ACMG Guidelines, 2015. Collection method: clinical testing. Allele origin: germline.

NM_004525.3(LRP2):c.7391-10A>G

Gene: LRP2 (LDL receptor related protein 2; minus strand). Cytogenetic location: 2q31.1.
Variant type: single nucleotide variant.
Coding change: c.7391-10A>G on transcript NM_004525.3 (MANE Select); 10 bases into the intron before coding-DNA position 7391, A replaced by G.
Molecular consequence: intron variant.
Genome position (GRCh38, 1-based): chr2:169,206,198, T>C on the plus strand (A>G on the coding strand, the complement: LRP2 is on the minus strand). VCF-style: chr2-169206198-T-C. GRCh37 (hg19) VCF-style: chr2-170062708-T-C.
Other names: c.7391-10A>G (NM_004525.2).
Identifiers: ClinVar variation 1548148 (VCV001548148.10), dbSNP rs547371529, ClinGen allele CA1954103.